The following is an entry in ClinVar:

NM_001017420.3(ESCO2):c.387dup (p.Pro130fs)

Gene: ESCO2 (establishment of sister chromatid cohesion N-acetyltransferase 2; plus strand). Cytogenetic location: 8p21.1.
Variant type: Duplication.
Coding change: c.387dup on transcript NM_001017420.3 (MANE Select); coding-DNA position 387, one base duplicated (A; older notation c.387dupA).
Protein change: p.Pro130fs; shifts the reading frame from proline 130.
Molecular consequence: frameshift variant.
Genome position (GRCh38, 1-based): chr8:27,776,695, A duplicated; the last of 4 consecutive A bases (chr8:27,776,692-27,776,695); duplicating any one gives the same sequence. VCF-style (leftmost placement, unchanged base first): chr8-27776691-G-GA. GRCh37 (hg19) VCF-style: chr8-27634208-G-GA.
Other names: short protein forms P130fs.
Identifiers: ClinVar variation 2829097 (VCV002829097.3), dbSNP rs2486627494, ClinGen allele CA2739279258.
Genomic context (GRCh38, chr8:27,776,691, plus strand): 5'-CTTGTCTAAAAACTAATGATGAAGATAAATCTTTTCCCATTGTGACAGAAAAAATGCAAG[G>GA]AAAACCAGTCTGCTCCAAGAAGAACAACAAAAAACCACAGAAGAGTTTAACTGCTAAGTA-3'

ClinVar aggregate classification (germline): Pathogenic (1 of 4 stars; one submission).

Submission:

Labcorp Genetics (formerly Invitae), Labcorp
Classification: Pathogenic. Last evaluated: 2023-01-16. Review status: criteria provided, single submitter. Criteria: Invitae Variant Classification Sherloc (09022015). Collection method: clinical testing. Allele origin: germline.
Comment: This sequence change creates a premature translational stop signal (p.Pro130Thrfs*18) in the ESCO2 gene. It is expected to result in an absent or disrupted protein product. Loss-of-function variants in ESCO2 are known to be pathogenic (PMID: 15821733, 16380922). For these reasons, this variant has been classified as Pathogenic. This variant has not been reported in the literature in individuals affected with ESCO2-related conditions. This variant is not present in population databases (gnomAD no frequency).

Literature cited by the submitters: PubMed 15821733; PubMed 16380922.